The following is an entry in ClinVar:

ClinVar aggregate classification (germline): Uncertain significance. Review status: criteria provided, multiple submitters, no conflicts (2 of 4 stars). 2 submissions from 2 submitters: Uncertain significance (2). Last evaluated 2024-10-21.

Conditions:
RPGRIP1L-related disorder. Also called: RPGRIP1L-related condition; RPGRIP1L-related disorders. Identifiers: MedGen CN239416.
Meckel syndrome, type 5 (MKS5). Identifiers: Orphanet 564, MedGen C1969052, MONDO:0012695, OMIM 611561.
COACH syndrome 3. Identifiers: MedGen C5436841, MONDO:0030862, OMIM 619113.
Joubert syndrome 7 (JBTS7). Identifiers: Orphanet 220497, MedGen C1969053, MONDO:0012694, OMIM 611560.

Submissions (2):

PreventionGenetics, part of Exact Sciences
Classification: Uncertain significance for RPGRIP1L-related condition. Last evaluated: 2024-10-21. Review status: criteria provided, single submitter. Criteria: ACMG Guidelines, 2015. Collection method: clinical testing. Allele origin: germline.
Comment: The RPGRIP1L c.733_738dup6 variant is predicted to result in an in-frame duplication (p.Ser246_Leu247dup). To our knowledge, this variant has not been reported in the literature. This variant is reported in 0.0031% of alleles in individuals of European (non-Finnish) descent in gnomAD. At this time, the clinical significance of this variant is uncertain due to the absence of conclusive functional and genetic evidence.

Fulgent Genetics
Classification: Uncertain significance for Joubert syndrome 7; Meckel syndrome, type 5; COACH syndrome 3. Last evaluated: 2024-01-05. Review status: criteria provided, single submitter. Criteria: ACMG Guidelines, 2015. Collection method: clinical testing. Allele origin: germline.

NM_015272.5(RPGRIP1L):c.733_738dup (p.Leu247_Leu248insSerLeu)

Gene: RPGRIP1L (RPGRIP1 like; minus strand). Cytogenetic location: 16q12.2.
Variant type: Duplication.
Coding change: c.733_738dup on transcript NM_015272.5 (MANE Select); coding-DNA positions 733 to 738, 6 bases duplicated (TTATCT; older notation c.733_738dupTTATCT).
Protein change: p.Leu247_Leu248insSerLeu.
Genome position (GRCh38, 1-based): chr16:53,686,471-53,686,476, AGATAA duplicated on the plus strand (TTATCT on the coding strand, the reverse complement: RPGRIP1L is on the minus strand). VCF-style (leftmost placement, unchanged base first): chr16-53686470-G-GAGATAA. GRCh37 (hg19) VCF-style: chr16-53720382-G-GAGATAA.
Other names: c.733_738dup6 (NM_015272.4); c.733_738dup, p.Leu247_Leu248insSerLeu (NM_001127897.4, NM_001308334.3, NM_001330538.2).
Identifiers: ClinVar variation 3580877 (VCV003580877.2).